The following is an entry in ClinVar:

ClinVar aggregate classification (germline): Benign (1 of 4 stars; one submission).

Allele frequency attached by ClinVar (database versions not stated): gnomAD 0.38536 and 0.39483; TOPMed 0.39223; 1000 Genomes Project 0.39716; 1000 Genomes Project 30x 0.40537; ESP Exome Variant Server 0.40735.
gnomAD v4.1: 443,622 of 1,611,510 alleles (28%); highest among the groups gnomAD compares: African/African-American, 71%; 69,597 homozygotes.

Submissions (7):

GeneDx
Classification: Benign. Last evaluated: 2018-06-14. Review status: criteria provided, single submitter. Criteria: GeneDx Variant Classification (06012015). Collection method: clinical testing. Allele origin: germline. Affected: yes.
Comment: This variant is considered likely benign or benign based on one or more of the following criteria: it is a conservative change, it occurs at a poorly conserved position in the protein, it is predicted to be benign by multiple in silico algorithms, and/or has population frequency not consistent with disease.

Dr. Peter K. Rogan Lab, Western University
No classification provided (evidence only). Condition: Malignant lymphoma, large B-cell, diffuse. Review status: no classification provided. Collection method: in vitro. Allele origin: not applicable. Functional consequence: retained intron. Not counted in ClinVar's aggregate classification.

Dr. Peter K. Rogan Lab, Western University
No classification provided (evidence only). Condition: Malignant lymphoma, large B-cell, diffuse. Review status: no classification provided. Collection method: in vitro. Allele origin: not applicable. Functional consequence: retained intron. Not counted in ClinVar's aggregate classification.

Dr. Peter K. Rogan Lab, Western University
No classification provided (evidence only). Condition: Uveal melanoma. Review status: no classification provided. Collection method: in vitro. Allele origin: not applicable. Functional consequence: retained intron. Not counted in ClinVar's aggregate classification.

Dr. Peter K. Rogan Lab, Western University
No classification provided (evidence only). Condition: Hepatocellular carcinoma. Review status: no classification provided. Collection method: in vitro. Allele origin: not applicable. Functional consequence: retained intron. Not counted in ClinVar's aggregate classification.

Dr. Peter K. Rogan Lab, Western University
No classification provided (evidence only). Condition: Hepatocellular carcinoma. Review status: no classification provided. Collection method: in vitro. Allele origin: not applicable. Functional consequence: retained intron. Not counted in ClinVar's aggregate classification.

Dr. Peter K. Rogan Lab, Western University
No classification provided (evidence only). Condition: Hepatocellular carcinoma. Review status: no classification provided. Collection method: in vitro. Allele origin: not applicable. Functional consequence: retained intron. Not counted in ClinVar's aggregate classification.

NM_005340.7(HINT1):c.111+37T>G

Gene: HINT1 (histidine triad nucleotide binding protein 1; minus strand). Cytogenetic location: 5q23.3.
Variant type: single nucleotide variant.
Coding change: c.111+37T>G on transcript NM_005340.7 (MANE Select); 37 bases into the intron after coding-DNA position 111, T replaced by G.
Molecular consequence: intron variant.
Genome position (GRCh38, 1-based): chr5:131,165,058, A>C on the plus strand (T>G on the coding strand, the complement: HINT1 is on the minus strand). VCF-style: chr5-131165058-A-C. GRCh37 (hg19) VCF-style: chr5-130500751-A-C.
Other names: NC_000005.9:g.130500751A>C.
Identifiers: ClinVar variation 681716 (VCV000681716.2), dbSNP rs2278060, ClinGen allele CA3398645.